The following is an entry in ClinVar:

ClinVar aggregate classification (germline): Likely benign (0 of 4 stars; one submission).

Conditions:
ADGRA3-related disorder. Also called: ADGRA3-related condition.

gnomAD v4.1: 1 of 1,612,374 alleles (0.000062%); no homozygotes.

Submission:

PreventionGenetics, part of Exact Sciences
Classification: Likely benign for ADGRA3-related condition. Last evaluated: 2019-02-21. Review status: no assertion criteria provided. Collection method: clinical testing. Allele origin: germline.
Comment: This variant is classified as likely benign based on ACMG/AMP sequence variant interpretation guidelines (Richards et al. 2015 PMID: 25741868, with internal and published modifications).

NM_145290.4(ADGRA3):c.706+8A>G

Gene: ADGRA3 (adhesion G protein-coupled receptor A3; minus strand). Cytogenetic location: 4p15.2.
Variant type: single nucleotide variant.
Coding change: c.706+8A>G on transcript NM_145290.4 (MANE Select); 8 bases into the intron after coding-DNA position 706, A replaced by G.
Molecular consequence: intron variant.
Genome position (GRCh38, 1-based): chr4:22,444,965, T>C on the plus strand (A>G on the coding strand, the complement: ADGRA3 is on the minus strand). VCF-style: chr4-22444965-T-C. GRCh37 (hg19) VCF-style: chr4-22446588-T-C.
Identifiers: ClinVar variation 3057996 (VCV003057996.2), dbSNP rs1230092497, ClinGen allele CA550663910.